The following is an entry in ClinVar:

NM_002907.4(RECQL):c.819G>T (p.Lys273Asn)

Gene: RECQL (RecQ like helicase; minus strand). Cytogenetic location: 12p12.1.
Variant type: single nucleotide variant.
Coding change: c.819G>T on transcript NM_002907.4 (MANE Select); coding-DNA position 819, G replaced by T.
Protein change: p.Lys273Asn; replaces lysine 273 with asparagine.
Molecular consequence: missense variant.
Genome position (GRCh38, 1-based): chr12:21,477,851, C>A on the plus strand (G>T on the coding strand, the complement: RECQL is on the minus strand). VCF-style: chr12-21477851-C-A. GRCh37 (hg19) VCF-style: chr12-21630785-C-A.
Other names: c.819G>T, p.Lys273Asn (NM_032941.3); short protein forms K273N.
Identifiers: ClinVar variation 3431834 (VCV003431834.2).

ClinVar aggregate classification (germline): Uncertain significance (1 of 4 stars; one submission).

Submission:

Ambry Genetics
Classification: Uncertain significance. Last evaluated: 2024-12-21. Review status: criteria provided, single submitter. Criteria: Ambry Variant Classification Scheme 2023. Collection method: clinical testing. Allele origin: germline.
Comment: The p.K273N variant (also known as c.819G>T), located in coding exon 6 of the RECQL gene, results from a G to T substitution at nucleotide position 819. The lysine at codon 273 is replaced by asparagine, an amino acid with similar properties. This amino acid position is conserved. In addition, this alteration is predicted to be tolerated by in silico analysis. Based on the available evidence, the clinical significance of this variant remains unclear.